The following is an entry in ClinVar:

NM_000057.4(BLM):c.1959G>A (p.Lys653=)

Gene: BLM (BLM RecQ like helicase; plus strand). Cytogenetic location: 15q26.1.
Variant type: single nucleotide variant.
Coding change: c.1959G>A on transcript NM_000057.4 (MANE Select); coding-DNA position 1959, G replaced by A.
Protein change: p.Lys653=; no amino-acid change (lysine 653 retained).
Molecular consequence: synonymous variant.
Genome position (GRCh38, 1-based): chr15:90,763,042, G>A. VCF-style: chr15-90763042-G-A. GRCh37 (hg19) VCF-style: chr15-91306272-G-A.
Other names: c.1959G>A, p.Lys653= (NM_001287246.2, NM_001287247.2); c.834G>A, p.Lys278= (NM_001287248.2).
Identifiers: ClinVar variation 1921095 (VCV001921095.13), dbSNP rs2505434823, ClinGen allele CA492158514.

ClinVar aggregate classification (germline): Likely benign. Review status: criteria provided, multiple submitters, no conflicts (2 of 4 stars). 2 submissions from 2 submitters: Likely benign (2). Last evaluated 2025-08-01.

Conditions:
Bloom syndrome (BLM). Also called: Bloom-Torre-Machacek syndrome. Identifiers: Orphanet 125, MedGen C0005859, MONDO:0008876, OMIM 210900.

Submissions (2):

CeGaT Center for Human Genetics Tuebingen
Classification: Likely benign. Last evaluated: 2025-08-01. Review status: criteria provided, single submitter. Criteria: CeGaT Center For Human Genetics Tuebingen Variant Classification Criteria Version 2. Collection method: clinical testing. Allele origin: germline. Affected: yes. Observed: 1 variant allele.
Comment: BLM: PM2:Supporting, BP4, BP7

Labcorp Genetics (formerly Invitae), Labcorp
Classification: Likely benign for Bloom syndrome. Last evaluated: 2024-03-18. Review status: criteria provided, single submitter. Criteria: Invitae Variant Classification Sherloc (09022015). Collection method: clinical testing. Allele origin: germline.